The following is an entry in ClinVar:

ClinVar aggregate classification (germline): Uncertain significance (1 of 4 stars; one submission).

Allele frequency attached by ClinVar (database versions not stated): ExAC 0.00001; gnomAD exomes 0.00001.
gnomAD v4.1: 33 of 1,612,702 alleles (0.002%); highest among the groups gnomAD compares: Non-Finnish European, 0.0026%; no homozygotes.

Submission:

Labcorp Genetics (formerly Invitae), Labcorp
Classification: Uncertain significance. Last evaluated: 2021-03-07. Review status: criteria provided, single submitter. Criteria: Invitae Variant Classification Sherloc (09022015). Collection method: clinical testing. Allele origin: germline.
Comment: In summary, the available evidence is currently insufficient to determine the role of this variant in disease. Therefore, it has been classified as a Variant of Uncertain Significance. Algorithms developed to predict the effect of missense changes on protein structure and function output the following: SIFT: "Tolerated"; PolyPhen-2: "Benign"; Align-GVGD: "Class C0". The threonine amino acid residue is found in multiple mammalian species, suggesting that this missense change does not adversely affect protein function. These predictions have not been confirmed by published functional studies and their clinical significance is uncertain. This variant has not been reported in the literature in individuals with VPS13C-related conditions. This variant is present in population databases (rs761962987, ExAC 0.002%). This sequence change replaces serine with threonine at codon 517 of the VPS13C protein (p.Ser517Thr). The serine residue is weakly conserved and there is a small physicochemical difference between serine and threonine.

NM_020821.3(VPS13C):c.1550G>C (p.Ser517Thr)

Gene: VPS13C (vacuolar protein sorting 13 homolog C; minus strand). Cytogenetic location: 15q22.2.
Variant type: single nucleotide variant.
Coding change: c.1550G>C on transcript NM_020821.3 (MANE Select); coding-DNA position 1550, G replaced by C.
Protein change: p.Ser517Thr; replaces serine 517 with threonine.
Molecular consequence: missense variant.
Genome position (GRCh38, 1-based): chr15:61,991,028, C>G on the plus strand (G>C on the coding strand, the complement: VPS13C is on the minus strand). VCF-style: chr15-61991028-C-G. GRCh37 (hg19) VCF-style: chr15-62283227-C-G.
Other names: c.1550G>C, p.Ser517Thr (NM_001018088.3); c.1421G>C, p.Ser474Thr (NM_017684.5, NM_018080.4); short protein forms S474T, S517T.
Identifiers: ClinVar variation 1376976 (VCV001376976.8), dbSNP rs761962987, ClinGen allele CA7597008.